The following is an entry in ClinVar:

NM_015267.4(CUX2):c.1072G>A (p.Ala358Thr)

Gene: CUX2 (cut like homeobox 2; plus strand). Cytogenetic location: 12q24.12.
Variant type: single nucleotide variant.
Coding change: c.1072G>A on transcript NM_015267.4 (MANE Select); coding-DNA position 1072, G replaced by A.
Protein change: p.Ala358Thr; replaces alanine 358 with threonine.
Molecular consequence: missense variant.
Genome position (GRCh38, 1-based): chr12:111,307,220, G>A. VCF-style: chr12-111307220-G-A. GRCh37 (hg19) VCF-style: chr12-111745024-G-A.
Other names: c.886G>A, p.Ala296Thr (NM_001370598.1); short protein forms A296T, A358T.
Identifiers: ClinVar variation 5000518 (VCV005000518.1).

ClinVar aggregate classification (germline): Uncertain significance (1 of 4 stars; one submission).

Conditions:
CUX2-related disorder. Also called: CUX2-related condition.

gnomAD v4.1: 1 of 1,614,186 alleles (0.000062%); highest among the groups gnomAD compares: Non-Finnish European, 0.000085%; no homozygotes.

Submission:

PreventionGenetics, part of Exact Sciences
Classification: Uncertain significance for CUX2-related condition. Last evaluated: 2024-12-16. Review status: criteria provided, single submitter. Criteria: ACMG Guidelines, 2015. Collection method: clinical testing. Allele origin: germline.
Comment: The CUX2 c.1072G>A variant is predicted to result in the amino acid substitution p.Ala358Thr. To our knowledge, this variant has not been reported in the literature. This variant is reported in 0.00088% of alleles in individuals of European (Non-Finnish) descent in gnomAD. At this time, the clinical significance of this variant is uncertain due to the absence of conclusive functional and genetic evidence.